The following is an entry in ClinVar:

NM_003801.4(GPAA1):c.1135G>C (p.Gly379Arg)

Gene: GPAA1 (glycosylphosphatidylinositol anchor attachment 1; plus strand). Cytogenetic location: 8q24.3.
Variant type: single nucleotide variant.
Coding change: c.1135G>C on transcript NM_003801.4 (MANE Select); coding-DNA position 1135, G replaced by C.
Protein change: p.Gly379Arg; replaces glycine 379 with arginine.
Molecular consequence: missense variant.
Genome position (GRCh38, 1-based): chr8:144,084,846, G>C. VCF-style: chr8-144084846-G-C. GRCh37 (hg19) VCF-style: chr8-145139749-G-C.
Other names: short protein forms G379R.
Identifiers: ClinVar variation 1913939 (VCV001913939.5), dbSNP rs373702712, ClinGen allele CA4933055.

ClinVar aggregate classification (germline): Uncertain significance (1 of 4 stars; one submission).

Submission:

Labcorp Genetics (formerly Invitae), Labcorp
Classification: Uncertain significance. Last evaluated: 2022-04-01. Review status: criteria provided, single submitter. Criteria: Invitae Variant Classification Sherloc (09022015). Collection method: clinical testing. Allele origin: germline.
Comment: In summary, the available evidence is currently insufficient to determine the role of this variant in disease. Therefore, it has been classified as a Variant of Uncertain Significance. Algorithms developed to predict the effect of missense changes on protein structure and function are either unavailable or do not agree on the potential impact of this missense change (SIFT: "Tolerated"; PolyPhen-2: "Probably Damaging"; Align-GVGD: "Class C0"). This variant has not been reported in the literature in individuals affected with GPAA1-related conditions. This variant is present in population databases (rs373702712, gnomAD 0.002%). This sequence change replaces glycine, which is neutral and non-polar, with arginine, which is basic and polar, at codon 379 of the GPAA1 protein (p.Gly379Arg).